The following is an entry in ClinVar:

ClinVar aggregate classification (germline): Benign/Likely benign. Review status: criteria provided, multiple submitters, no conflicts (2 of 4 stars). 3 submissions from 3 submitters: Benign (1); Likely benign (2). Last evaluated 2026-04-20.

Conditions:
DICER1-related tumor predisposition. Also called: DICER1 syndrome; DICER1-related pleuropulmonary blastoma cancer predisposition syndrome. Identifiers: Orphanet 284343, MedGen C3839822, MONDO:0100216.
Hereditary cancer-predisposing syndrome. Also called: Neoplastic Syndromes, Hereditary; Tumor predisposition; Hereditary Cancer Syndrome; Hereditary neoplastic syndrome. Identifiers: Orphanet 140162, MedGen C0027672, MeSH D009386, MONDO:0015356.

Submissions (3):

Myriad Genetics, Inc.
Classification: Benign for DICER1-related tumor predisposition. Last evaluated: 2026-04-20. Review status: criteria provided, single submitter. Criteria: Myriad Autosomal Dominant, Autosomal Recessive and X-Linked Classification Criteria (2023). Collection method: clinical testing. Allele origin: unknown.
Comment: This variant is considered benign. This variant is a silent/synonymous amino acid change and it is not expected to impact splicing.

Labcorp Genetics (formerly Invitae), Labcorp
Classification: Likely benign for DICER1-related tumor predisposition. Last evaluated: 2024-08-20. Review status: criteria provided, single submitter. Criteria: Invitae Variant Classification Sherloc (09022015). Collection method: clinical testing. Allele origin: germline.

Ambry Genetics
Classification: Likely benign for Hereditary cancer-predisposing syndrome. Last evaluated: 2023-02-15. Review status: criteria provided, single submitter. Criteria: Ambry Variant Classification Scheme 2023. Collection method: clinical testing. Allele origin: germline.

NM_177438.3(DICER1):c.4314T>C (p.Tyr1438=)

Gene: DICER1 (dicer 1, ribonuclease III; minus strand). Cytogenetic location: 14q32.13.
Variant type: single nucleotide variant.
Coding change: c.4314T>C on transcript NM_177438.3 (MANE Select); coding-DNA position 4314, T replaced by C.
Protein change: p.Tyr1438=; no amino-acid change (tyrosine 1438 retained).
Molecular consequence: synonymous variant. On other transcripts: non-coding transcript variant (6).
Genome position (GRCh38, 1-based): chr14:95,096,606, A>G on the plus strand (T>C on the coding strand, the complement: DICER1 is on the minus strand). VCF-style: chr14-95096606-A-G. GRCh37 (hg19) VCF-style: chr14-95562943-A-G.
Other names: c.4314T>C, p.Tyr1438= (NM_001195573.1, NM_001271282.3, NM_001291628.2 and 13 more transcripts); c.4032T>C, p.Tyr1344= (NM_001395686.1); c.3909T>C, p.Tyr1303= (NM_001395687.1, NM_001395688.1, NM_001395689.1 and 2 more transcripts); c.3747T>C, p.Tyr1249= (NM_001395691.1); c.2631T>C, p.Tyr877= (NM_001395697.1).
Identifiers: ClinVar variation 1956867 (VCV001956867.8), dbSNP rs2542510001, ClinGen allele CA487844265.